The following is an entry in ClinVar:

ClinVar aggregate classification (germline): Conflicting classifications of pathogenicity. Review status: criteria provided, conflicting classifications (1 of 4 stars). 2 submissions from 2 submitters: Pathogenic (1); Uncertain significance (1). Last evaluated 2025-02-24.

Conditions:
TTC21B-related disorder. Also called: TTC21B-related condition; TTC21B-related disorders.
Jeune thoracic dystrophy. Also called: Short-rib thoracic dysplasia; Jeune syndrome; Infantile thoracic dystrophy; Thoracic pelvic phalangeal dystrophy; Jeune's syndrome; Chondroectodermal dysplasia-like syndrome. Identifiers: Orphanet 474, MedGen C0265275, MONDO:0018770.
Nephronophthisis. Also called: Juvenile Nephronophthisis. Identifiers: Orphanet 655, MedGen C0687120, MONDO:0019005, HP:0000090.

Allele frequency attached by ClinVar (database versions not stated): TOPMed below 0.00001; ExAC 0.00001; gnomAD exomes 0.00001.
gnomAD v4.1: 8 of 1,611,222 alleles (0.0005%); highest among the groups gnomAD compares: African/African-American, 0.0013%; no homozygotes.

Submissions (2):

PreventionGenetics, part of Exact Sciences
Classification: Uncertain significance for TTC21B-related condition. Last evaluated: 2025-02-24. Review status: criteria provided, single submitter. Criteria: ACMG Guidelines, 2015. Collection method: clinical testing. Allele origin: germline.
Comment: The TTC21B c.36C>G variant is predicted to result in premature protein termination (p.Tyr12*). To our knowledge, this variant has not been reported in the literature. This variant is reported in 0.00091% of alleles in individuals of European (Non-Finnish) descent in gnomAD. Although we suspect that this variant may be pathogenic, at this time, the clinical significance of this variant is uncertain due to the absence of conclusive functional and genetic evidence.

Labcorp Genetics (formerly Invitae), Labcorp
Classification: Pathogenic for Jeune thoracic dystrophy; Nephronophthisis. Last evaluated: 2023-02-08. Review status: criteria provided, single submitter. Criteria: Invitae Variant Classification Sherloc (09022015). Collection method: clinical testing. Allele origin: germline.
Comment: For these reasons, this variant has been classified as Pathogenic. This variant has not been reported in the literature in individuals affected with TTC21B-related conditions. This variant is present in population databases (rs769095855, gnomAD 0.0009%). This sequence change creates a premature translational stop signal (p.Tyr12*) in the TTC21B gene. It is expected to result in an absent or disrupted protein product. Loss-of-function variants in TTC21B are known to be pathogenic (PMID: 18327258, 21068128, 21258341, 23559409, 24876116, 25492405, 27491411, 29068549).

Literature cited by the submitters: PubMed 18327258 (cited by Labcorp Genetics (formerly Invitae), Labcorp); PubMed 21068128 (cited by Labcorp Genetics (formerly Invitae), Labcorp); PubMed 21258341 (cited by Labcorp Genetics (formerly Invitae), Labcorp); PubMed 23559409 (cited by Labcorp Genetics (formerly Invitae), Labcorp); PubMed 24876116 (cited by Labcorp Genetics (formerly Invitae), Labcorp); PubMed 25492405 (cited by Labcorp Genetics (formerly Invitae), Labcorp); PubMed 27491411 (cited by Labcorp Genetics (formerly Invitae), Labcorp); PubMed 29068549 (cited by Labcorp Genetics (formerly Invitae), Labcorp).

NM_024753.5(TTC21B):c.36C>G (p.Tyr12Ter)

Gene: TTC21B (tetratricopeptide repeat domain 21B; minus strand). Cytogenetic location: 2q24.3.
Variant type: single nucleotide variant.
Coding change: c.36C>G on transcript NM_024753.5 (MANE Select); coding-DNA position 36, C replaced by G.
Protein change: p.Tyr12Ter; replaces tyrosine 12 with a stop codon.
Molecular consequence: nonsense.
Genome position (GRCh38, 1-based): chr2:165,949,710, G>C on the plus strand (C>G on the coding strand, the complement: TTC21B is on the minus strand). VCF-style: chr2-165949710-G-C. GRCh37 (hg19) VCF-style: chr2-166806220-G-C.
Other names: c.36C>G (NM_024753.4); short protein forms Y12*.
Identifiers: ClinVar variation 2156974 (VCV002156974.5), dbSNP rs769095855, ClinGen allele CA1942571.
Genomic context (GRCh38, chr2:165,949,710, plus strand): 5'-CCTCTTAATTCCTTCACTGGCAACCAGTAATACATGATGGAAATATCTCTCTTGACAATA[G>C]TAATTAATCAAAGTCTAAATGGAAATAATGAAAAAATGTTATAAAGGAATTCTGGTGCTC-3'